The following is an entry in ClinVar:

NM_052867.4(NALCN):c.2596G>C (p.Val866Leu)

Gene: NALCN (sodium leak channel, non-selective; minus strand). Cytogenetic location: 13q33.1.
Variant type: single nucleotide variant.
Coding change: c.2596G>C on transcript NM_052867.4 (MANE Select); coding-DNA position 2596, G replaced by C.
Protein change: p.Val866Leu; replaces valine 866 with leucine.
Molecular consequence: missense variant.
Genome position (GRCh38, 1-based): chr13:101,104,934, C>G on the plus strand (G>C on the coding strand, the complement: NALCN is on the minus strand). VCF-style: chr13-101104934-C-G. GRCh37 (hg19) VCF-style: chr13-101757285-C-G.
Other names: c.2683G>C, p.Val895Leu (NM_001350748.2); c.2596G>C, p.Val866Leu (NM_001350749.2); c.2509G>C, p.Val837Leu (NM_001350750.2, NM_001350751.2); short protein forms V837L, V895L, V866L.
Identifiers: ClinVar variation 3712722 (VCV003712722.2).

ClinVar aggregate classification (germline): Uncertain significance (1 of 4 stars; one submission).

gnomAD v4.1: 3 of 1,613,662 alleles (0.00019%); highest among the groups gnomAD compares: African/African-American, 0.0027%; no homozygotes.

Submission:

Labcorp Genetics (formerly Invitae), Labcorp
Classification: Uncertain significance. Last evaluated: 2024-03-24. Review status: criteria provided, single submitter. Criteria: Invitae Variant Classification Sherloc (09022015). Collection method: clinical testing. Allele origin: germline.
Comment: This sequence change replaces valine, which is neutral and non-polar, with leucine, which is neutral and non-polar, at codon 866 of the NALCN protein (p.Val866Leu). This variant is not present in population databases (gnomAD no frequency). This variant has not been reported in the literature in individuals affected with NALCN-related conditions. Advanced modeling of protein sequence and biophysical properties (such as structural, functional, and spatial information, amino acid conservation, physicochemical variation, residue mobility, and thermodynamic stability) performed at Invitae indicates that this missense variant is not expected to disrupt NALCN protein function with a negative predictive value of 80%. In summary, the available evidence is currently insufficient to determine the role of this variant in disease. Therefore, it has been classified as a Variant of Uncertain Significance.